The following is an entry in ClinVar:

NM_001035.3(RYR2):c.10570A>G (p.Ile3524Val)

Gene: RYR2 (ryanodine receptor 2; plus strand). Cytogenetic location: 1q43.
Variant type: single nucleotide variant.
Coding change: c.10570A>G on transcript NM_001035.3 (MANE Select); coding-DNA position 10570, A replaced by G.
Protein change: p.Ile3524Val; replaces isoleucine 3524 with valine.
Molecular consequence: missense variant.
Genome position (GRCh38, 1-based): chr1:237,723,143, A>G. VCF-style: chr1-237723143-A-G. GRCh37 (hg19) VCF-style: chr1-237886443-A-G.
Other names: c.10570A>G (NM_001035.2); short protein forms I3524V.
Identifiers: ClinVar variation 3074385 (VCV003074385.3), dbSNP rs762056167, ClinGen allele CA064222.
Genomic context (GRCh38, chr1:237,723,143, plus strand): 5'-TTAGATTCCCATCTTCCCATTGTAACCTTTTCCTTTTTTCTGCAGTTGGAGGATCCTGCT[A>G]TTAGATGGCAAATGGCTCTTTACAAAGACTTACCAAACAGGACTGATGATACCTCAGATC-3'
Protein context (NP_001026.2, residues 3514-3534): HLQGKLEDPA[Ile3524Val]RWQMALYKDL

ClinVar aggregate classification (germline): Uncertain significance. Review status: criteria provided, multiple submitters, no conflicts (2 of 4 stars). 3 submissions from 3 submitters: Uncertain significance (3). Last evaluated 2024-11-27.

Conditions:
Cardiomyopathy (CMYO). Also called: Cardiomyopathies. Identifiers: Orphanet 167848, MedGen C0878544, MONDO:0004994, HP:0001638. Inheritance: Various modes of inheritance.
Catecholaminergic polymorphic ventricular tachycardia (CVPT). Also called: Catecholamine-induced polymorphic ventricular tachycardia. Identifiers: Orphanet 3286, MedGen C5574922, MONDO:0017990.
Cardiovascular phenotype. Identifiers: MedGen CN230736.

Allele frequency attached by ClinVar (database versions not stated): gnomAD exomes below 0.00001; ExAC 0.00002.
gnomAD v4.1: 3 of 1,609,368 alleles (0.00019%); highest among the groups gnomAD compares: Non-Finnish European, 0.00025%; no homozygotes.

Submissions (3):

Ambry Genetics
Classification: Uncertain significance for Cardiovascular phenotype. Last evaluated: 2024-11-27. Review status: criteria provided, single submitter. Criteria: Ambry Variant Classification Scheme 2023. Collection method: clinical testing. Allele origin: germline.
Comment: The p.I3524V variant (also known as c.10570A>G), located in coding exon 74 of the RYR2 gene, results from an A to G substitution at nucleotide position 10570. The isoleucine at codon 3524 is replaced by valine, an amino acid with highly similar properties. This amino acid position is well conserved in available vertebrate species. In addition, the in silico prediction for this alteration is inconclusive. Based on the available evidence, the clinical significance of this variant remains unclear.

All of Us Research Program, National Institutes of Health
Classification: Uncertain significance for Catecholaminergic polymorphic ventricular tachycardia. Last evaluated: 2023-11-02. Review status: criteria provided, single submitter. Criteria: ACMG Guidelines, 2015. Collection method: clinical testing. Allele origin: germline. Inheritance: Autosomal dominant inheritance. Observed: 1 variant allele, 1 heterozygote.
Comment: This missense variant replaces isoleucine with valine at codon 3524 of the RYR2 protein. Computational prediction suggests that this variant may not impact protein structure and function (internally defined REVEL score threshold <= 0.5, PMID: 27666373). To our knowledge, functional studies have not been reported for this variant. This variant has not been reported in individuals affected with RYR2-related disorders in the literature. This variant has been identified in 1/244698 chromosomes in the general population by the Genome Aggregation Database (gnomAD). The available evidence is insufficient to determine the role of this variant in disease conclusively. Therefore, this variant is classified as a Variant of Uncertain Significance.

This study involves interpretation of variants in research participants for the purpose of population health screening. Participant phenotype was not available at the time of variant classification. Additional details can be found in publication PMID: 35346344, PMCID: PMC8962531

Color Diagnostics, LLC DBA Color Health
Classification: Uncertain significance for Cardiomyopathy. Last evaluated: 2023-10-18. Review status: criteria provided, single submitter. Criteria: ACMG Guidelines, 2015. Collection method: clinical testing. Allele origin: germline.
Comment: This missense variant replaces isoleucine with valine at codon 3524 of the RYR2 protein. Computational prediction suggests that this variant may not impact protein structure and function. To our knowledge, functional studies have not been reported for this variant. This variant has not been reported in individuals affected with RYR2-related disorders in the literature. This variant has been identified in 1/244698 chromosomes in the general population by the Genome Aggregation Database (gnomAD). The available evidence is insufficient to determine the role of this variant in disease conclusively. Therefore, this variant is classified as a Variant of Uncertain Significance.